The following is an entry in ClinVar:

NC_000014.8:g.(?_105235685)_(105259939_?)dup

Gene: AKT1 (AKT serine/threonine kinase 1; minus strand). Cytogenetic location: 14q32.33.
Variant type: Duplication.
Identifiers: ClinVar variation 3336139 (VCV003336139.1).

ClinVar aggregate classification (germline): Uncertain significance (1 of 4 stars; one submission).

Submission:

Women's Health and Genetics/Laboratory Corporation of America, LabCorp
Classification: Uncertain significance. Last evaluated: 2024-05-29. Review status: criteria provided, single submitter. Criteria: LabCorp Variant Classification Summary - May 2015. Collection method: clinical testing. Allele origin: germline.
Comment: Variant summary: The variant involves the duplication of exons 1-14 in the AKT1 gene. A presumed nomenclature of c.(?_-555)_(*993_?)dup has been designated for the purposes of this classification. This duplication includes the entire coding sequence of the gene. As exact breakpoints are unknown, it may extend beyond the annotated region of the gene, to include other flanking genes. A variant involving the duplication of the AKT1 gene was found at a frequency of 1.1e-05 in 462883 control chromosomes in the gnomAD database (CNVs v4.1 dataset). The available data on variant occurrences in the general population are insufficient to allow any conclusion about variant significance. To our knowledge, no occurrence of c.(?_-555)_(*993_?)dup in individuals affected with AKT1-related disorders, and no experimental evidence demonstrating its impact on protein function have been reported. ClinVar contains an entry for this variant (Variation ID: 2425305). Based on the evidence outlined above, the variant was classified as uncertain significance.